The following is an entry in ClinVar:

NM_001370259.2(MEN1):c.1747T>G (p.Ser583Ala)

Gene: MEN1 (menin 1; minus strand). Cytogenetic location: 11q13.1.
Variant type: single nucleotide variant.
Coding change: c.1747T>G on transcript NM_001370259.2 (MANE Select); coding-DNA position 1747, T replaced by G.
Protein change: p.Ser583Ala; replaces serine 583 with alanine.
Molecular consequence: missense variant.
Genome position (GRCh38, 1-based): chr11:64,804,420, A>C on the plus strand (T>G on the coding strand, the complement: MEN1 is on the minus strand). VCF-style: chr11-64804420-A-C. GRCh37 (hg19) VCF-style: chr11-64571892-A-C.
Other names: c.1762T>G, p.Ser588Ala (NM_000244.4, NM_130800.3, NM_130801.3 and 3 more transcripts); c.1873T>G, p.Ser625Ala (NM_001370251.2); c.1747T>G, p.Ser583Ala (NM_001370260.2, NM_001370261.2, NM_130799.3); c.1642T>G, p.Ser548Ala (NM_001370262.2, NM_001370263.2); short protein forms S583A, S588A, S548A, S625A.
Identifiers: ClinVar variation 100804 (VCV000100804.3), dbSNP rs483352685, ClinGen allele CA009305.

ClinVar aggregate classification (germline): Uncertain significance. Review status: no assertion criteria provided (0 of 4 stars). 2 submissions from 1 submitter: Uncertain significance (1). 1 of the submissions does not count toward it.

Submissions (2):

Richard Lifton Laboratory, Yale University School of Medicine
Classification: Uncertain significance. Review status: no assertion criteria provided. Collection method: not provided. Allele origin: somatic.
Comment: MEN1:p.S588A
ClinVar note: Converted during submission from unknown to Uncertain significance.

Richard Lifton Laboratory, Yale University School of Medicine
Classification: Uncertain significance. Review status: flagged submission. Collection method: not provided. Allele origin: somatic. Not counted in ClinVar's aggregate classification.
ClinVar note: Converted during submission from unknown to Uncertain significance.
ClinVar note: Reason: This record appears to be redundant with a more recent record from the same submitter.
ClinVar note: Notes: SCV000120024 appears to be redundant with SCV000155127.